The following is an entry in ClinVar:

ClinVar aggregate classification (germline): Uncertain significance (1 of 4 stars; one submission).

Conditions:
X-linked agammaglobulinemia with growth hormone deficiency (IGHD3). Also called: Isolated growth hormone deficiency type 3; Growth hormone deficiency with hypogammaglobulinemia; ISOLATED GROWTH HORMONE DEFICIENCY, TYPE III, WITH AGAMMAGLOBULINEMIA; AGAMMAGLOBULINEMIA AND ISOLATED GROWTH HORMONE DEFICIENCY, X-LINKED; FLEISHER SYNDROME; HYPOGAMMAGLOBULINEMIA AND ISOLATED GROWTH HORMONE DEFICIENCY, X-LINKED. Identifiers: Orphanet 231692, Orphanet 631, MedGen C0472813, MONDO:0010615, OMIM 307200.

Submission:

Labcorp Genetics (formerly Invitae), Labcorp
Classification: Uncertain significance for X-linked agammaglobulinemia with growth hormone deficiency. Last evaluated: 2024-08-10. Review status: criteria provided, single submitter. Criteria: Invitae Variant Classification Sherloc (09022015). Collection method: clinical testing. Allele origin: germline.
Comment: This sequence change replaces aspartic acid, which is acidic and polar, with tyrosine, which is neutral and polar, at codon 232 of the BTK protein (p.Asp232Tyr). This variant is not present in population databases (gnomAD no frequency). This variant has not been reported in the literature in individuals affected with BTK-related conditions. Advanced modeling of protein sequence and biophysical properties (such as structural, functional, and spatial information, amino acid conservation, physicochemical variation, residue mobility, and thermodynamic stability) performed at Invitae indicates that this missense variant is expected to disrupt BTK protein function with a positive predictive value of 80%. In summary, the available evidence is currently insufficient to determine the role of this variant in disease. Therefore, it has been classified as a Variant of Uncertain Significance.

NM_000061.3(BTK):c.694G>T (p.Asp232Tyr)

Gene: BTK (Bruton tyrosine kinase; minus strand). Cytogenetic location: Xq22.1.
Variant type: single nucleotide variant.
Coding change: c.694G>T on transcript NM_000061.3 (MANE Select); coding-DNA position 694, G replaced by T.
Protein change: p.Asp232Tyr; replaces aspartic acid 232 with tyrosine.
Molecular consequence: missense variant.
Genome position (GRCh38, 1-based): chrX:101,360,650, C>A on the plus strand (G>T on the coding strand, the complement: BTK is on the minus strand). VCF-style: chrX-101360650-C-A. GRCh37 (hg19) VCF-style: chrX-100615638-C-A.
Other names: c.796G>T, p.Asp266Tyr (NM_001287344.2); c.694G>T, p.Asp232Tyr (NM_001287345.2); short protein forms D232Y, D266Y.
Identifiers: ClinVar variation 3661895 (VCV003661895.2).